The following is an entry in ClinVar:

ClinVar aggregate classification (germline): Uncertain significance. Review status: criteria provided, multiple submitters, no conflicts (2 of 4 stars). 2 submissions from 2 submitters: Uncertain significance (2). Last evaluated 2024-02-24.

Conditions:
Joubert syndrome 5 (JBTS5). Identifiers: Orphanet 2318, MedGen C1857780, MONDO:0012432, OMIM 610188.
Leber congenital amaurosis 10 (LCA10). Identifiers: Orphanet 65, MedGen C1857821, MONDO:0012723, OMIM 611755.
Senior-Loken syndrome 6 (SLSN6). Identifiers: Orphanet 3156, MedGen C1857779, MONDO:0012433, OMIM 610189.
Bardet-Biedl syndrome 14 (BBS14). Identifiers: Orphanet 110, MedGen C2673874, MONDO:0014442, OMIM 615991.
Meckel syndrome, type 4 (MKS4). Also called: MECKEL-GRUBER SYNDROME, TYPE 4. Identifiers: Orphanet 564, MedGen C1970161, MONDO:0012626, OMIM 611134.
Nephronophthisis. Also called: Juvenile Nephronophthisis. Identifiers: Orphanet 655, MedGen C0687120, MONDO:0019005, HP:0000090.
Meckel-Gruber syndrome. Also called: DYSENCEPHALIA SPLANCHNOCYSTICA; GRUBER SYNDROME; Dysencephalia splachnocystica. Identifiers: Orphanet 564, MedGen C0265215, MONDO:0018921.
Joubert syndrome. Also called: CEREBELLOPARENCHYMAL DISORDER IV; JOUBERT-BOLTSHAUSER SYNDROME; Familial aplasia of the vermis. Identifiers: Orphanet 475, MedGen C5979921, MONDO:0018772.

Allele frequency attached by ClinVar (database versions not stated): gnomAD exomes below 0.00001.
gnomAD v4.1: 1 of 1,611,222 alleles (0.000062%); highest among the groups gnomAD compares: Non-Finnish European, 0.000085%; no homozygotes.

Submissions (2):

Labcorp Genetics (formerly Invitae), Labcorp
Classification: Uncertain significance for Joubert syndrome; Meckel-Gruber syndrome; Nephronophthisis. Last evaluated: 2024-02-24. Review status: criteria provided, single submitter. Criteria: Invitae Variant Classification Sherloc (09022015). Collection method: clinical testing. Allele origin: germline.
Comment: This sequence change replaces tyrosine, which is neutral and polar, with cysteine, which is neutral and slightly polar, at codon 976 of the CEP290 protein (p.Tyr976Cys). This variant is not present in population databases (gnomAD no frequency). This variant has not been reported in the literature in individuals affected with CEP290-related conditions. ClinVar contains an entry for this variant (Variation ID: 1505613). Advanced modeling of protein sequence and biophysical properties (such as structural, functional, and spatial information, amino acid conservation, physicochemical variation, residue mobility, and thermodynamic stability) performed at Invitae indicates that this missense variant is expected to disrupt CEP290 protein function with a positive predictive value of 80%. In summary, the available evidence is currently insufficient to determine the role of this variant in disease. Therefore, it has been classified as a Variant of Uncertain Significance.

Fulgent Genetics
Classification: Uncertain significance for Joubert syndrome 5; Senior-Loken syndrome 6; Meckel syndrome, type 4; Leber congenital amaurosis 10; Bardet-Biedl syndrome 14. Last evaluated: 2022-03-04. Review status: criteria provided, single submitter. Criteria: ACMG Guidelines, 2015. Collection method: clinical testing. Allele origin: unknown.

NM_025114.4(CEP290):c.2927A>G (p.Tyr976Cys)

Gene: CEP290 (centrosomal protein 290; minus strand). Cytogenetic location: 12q21.32.
Variant type: single nucleotide variant.
Coding change: c.2927A>G on transcript NM_025114.4 (MANE Select); coding-DNA position 2927, A replaced by G.
Protein change: p.Tyr976Cys; replaces tyrosine 976 with cysteine.
Molecular consequence: missense variant.
Genome position (GRCh38, 1-based): chr12:88,102,902, T>C on the plus strand (A>G on the coding strand, the complement: CEP290 is on the minus strand). VCF-style: chr12-88102902-T-C. GRCh37 (hg19) VCF-style: chr12-88496679-T-C.
Other names: short protein forms Y976C.
Identifiers: ClinVar variation 1505613 (VCV001505613.7), dbSNP rs1039332206, ClinGen allele CA241148665.